The following is an entry in ClinVar:

NM_000297.4(PKD2):c.2902G>A (p.Val968Ile)

Gene: PKD2 (polycystin 2, transient receptor potential cation channel; plus strand). Cytogenetic location: 4q22.1.
Variant type: single nucleotide variant.
Coding change: c.2902G>A on transcript NM_000297.4 (MANE Select); coding-DNA position 2902, G replaced by A.
Protein change: p.Val968Ile; replaces valine 968 with isoleucine.
Molecular consequence: missense variant. On other transcripts: non-coding transcript variant (1).
Genome position (GRCh38, 1-based): chr4:88,075,689, G>A. VCF-style: chr4-88075689-G-A. GRCh37 (hg19) VCF-style: chr4-88996841-G-A.
Other names: c.2902G>A (NM_000297.3); short protein forms V968I.
Identifiers: ClinVar variation 2154439 (VCV002154439.5), dbSNP rs549787080, ClinGen allele CA100895429.

ClinVar aggregate classification (germline): Uncertain significance. Review status: criteria provided, multiple submitters, no conflicts (2 of 4 stars). 2 submissions from 2 submitters: Uncertain significance (2). Last evaluated 2026-03-18.

Conditions:
Autosomal dominant polycystic kidney disease. Identifiers: Orphanet 730, MedGen C0085413, MONDO:0004691.
PKD2-related disorder. Also called: PKD2-related condition.

gnomAD v4.1: 43 of 1,600,770 alleles (0.0027%); highest among the groups gnomAD compares: East Asian, 0.022%; no homozygotes.

Submissions (2):

PreventionGenetics, part of Exact Sciences
Classification: Uncertain significance for PKD2-related condition. Last evaluated: 2026-03-18. Review status: criteria provided, single submitter. Criteria: ACMG Guidelines, 2015. Collection method: clinical testing. Allele origin: germline.
Comment: The PKD2 c.2902G>A variant is predicted to result in the amino acid substitution p.Val968Ile. To our knowledge, this variant has not been reported in the literature. This variant is reported in 0.00088% of alleles in individuals of European (Non-Finnish) descent in gnomAD. At this time, the clinical significance of this variant is uncertain due to the absence of conclusive functional and genetic evidence.

Labcorp Genetics (formerly Invitae), Labcorp
Classification: Uncertain significance for Autosomal dominant polycystic kidney disease. Last evaluated: 2024-03-05. Review status: criteria provided, single submitter. Criteria: Invitae Variant Classification Sherloc (09022015). Collection method: clinical testing. Allele origin: germline.
Comment: This sequence change replaces valine, which is neutral and non-polar, with isoleucine, which is neutral and non-polar, at codon 968 of the PKD2 protein (p.Val968Ile). This variant is present in population databases (rs549787080, gnomAD 0.0009%). This variant has not been reported in the literature in individuals affected with PKD2-related conditions. ClinVar contains an entry for this variant (Variation ID: 2154439). Algorithms developed to predict the effect of missense changes on protein structure and function output the following: SIFT: "Not Available"; PolyPhen-2: "Benign"; Align-GVGD: "Not Available". The isoleucine amino acid residue is found in multiple mammalian species, which suggests that this missense change does not adversely affect protein function. In summary, the available evidence is currently insufficient to determine the role of this variant in disease. Therefore, it has been classified as a Variant of Uncertain Significance.